The following is an entry in ClinVar:

ClinVar aggregate classification (germline): Uncertain significance (1 of 4 stars; one submission).

Allele frequency attached by ClinVar (database versions not stated): gnomAD 0.00002; TOPMed 0.00003.
gnomAD v4.1: 16 of 1,281,712 alleles (0.0012%); highest among the groups gnomAD compares: Non-Finnish European, 0.0015%; no homozygotes.

Submission:

Labcorp Genetics (formerly Invitae), Labcorp
Classification: Uncertain significance. Last evaluated: 2024-07-12. Review status: criteria provided, single submitter. Criteria: Invitae Variant Classification Sherloc (09022015). Collection method: clinical testing. Allele origin: germline.
Comment: This sequence change replaces leucine, which is neutral and non-polar, with phenylalanine, which is neutral and non-polar, at codon 99 of the IRF2BP2 protein (p.Leu99Phe). This variant is not present in population databases (gnomAD no frequency). This variant has not been reported in the literature in individuals affected with IRF2BP2-related conditions. ClinVar contains an entry for this variant (Variation ID: 1429012). An algorithm developed to predict the effect of missense changes on protein structure and function (PolyPhen-2) suggests that this variant is likely to be disruptive. In summary, the available evidence is currently insufficient to determine the role of this variant in disease. Therefore, it has been classified as a Variant of Uncertain Significance.

NM_182972.3(IRF2BP2):c.295C>T (p.Leu99Phe)

Genes: IRF2BP2 (interferon regulatory factor 2 binding protein 2; minus strand), LOC129932812 (ATAC-STARR-seq lymphoblastoid silent region 1977; plus strand). Cytogenetic location: 1q42.3.
Variant type: single nucleotide variant.
Coding change: c.295C>T on transcript NM_182972.3 (MANE Select); coding-DNA position 295, C replaced by T.
Protein change: p.Leu99Phe; replaces leucine 99 with phenylalanine.
Molecular consequence: missense variant.
Genome position (GRCh38, 1-based): chr1:234,609,200, G>A on the plus strand (C>T on the coding strand, the complement: IRF2BP2 is on the minus strand). VCF-style: chr1-234609200-G-A. GRCh37 (hg19) VCF-style: chr1-234744946-G-A.
Other names: c.295C>T, p.Leu99Phe (NM_001077397.1); short protein forms L99F.
Identifiers: ClinVar variation 1429012 (VCV001429012.8), dbSNP rs1003856547, ClinGen allele CA39546844.